The following is an entry in ClinVar:

ClinVar aggregate classification (germline): Uncertain significance (1 of 4 stars; one submission).

Conditions:
Bailey-Bloch congenital myopathy (CMYO13). Also called: Native American myopathy; STAC3 disorder; Congenital myopathy 13. Identifiers: Orphanet 168572, MedGen C1850625, MONDO:0009722, OMIM 255995.

Submission:

Labcorp Genetics (formerly Invitae), Labcorp
Classification: Uncertain significance for Bailey-Bloch congenital myopathy. Last evaluated: 2023-07-10. Review status: criteria provided, single submitter. Criteria: Invitae Variant Classification Sherloc (09022015). Collection method: clinical testing. Allele origin: germline.
Comment: This sequence change replaces isoleucine, which is neutral and non-polar, with threonine, which is neutral and polar, at codon 110 of the STAC3 protein (p.Ile110Thr). This variant is not present in population databases (gnomAD no frequency). In summary, the available evidence is currently insufficient to determine the role of this variant in disease. Therefore, it has been classified as a Variant of Uncertain Significance. Advanced modeling of protein sequence and biophysical properties (such as structural, functional, and spatial information, amino acid conservation, physicochemical variation, residue mobility, and thermodynamic stability) performed at Invitae indicates that this missense variant is expected to disrupt STAC3 protein function. ClinVar contains an entry for this variant (Variation ID: 2008882). This variant has not been reported in the literature in individuals affected with STAC3-related conditions.

NM_145064.3(STAC3):c.329T>C (p.Ile110Thr)

Gene: STAC3 (SH3 and cysteine rich domain 3; minus strand). Cytogenetic location: 12q13.3.
Variant type: single nucleotide variant.
Coding change: c.329T>C on transcript NM_145064.3 (MANE Select); coding-DNA position 329, T replaced by C.
Protein change: p.Ile110Thr; replaces isoleucine 110 with threonine.
Molecular consequence: missense variant. On other transcripts: intron variant (1).
Genome position (GRCh38, 1-based): chr12:57,249,046, A>G on the plus strand (T>C on the coding strand, the complement: STAC3 is on the minus strand). VCF-style: chr12-57249046-A-G. GRCh37 (hg19) VCF-style: chr12-57642829-A-G.
Other names: c.212T>C, p.Ile71Thr (NM_001286256.2); c.-126-848T>C (NM_001286257.2); short protein forms I110T, I71T.
Identifiers: ClinVar variation 2008882 (VCV002008882.4), dbSNP rs2548121084, ClinGen allele CA385416510.